The following is an entry in ClinVar:

ClinVar aggregate classification (germline): Likely benign (0 of 4 stars; one submission).

Conditions:
UGT1A1-related disorder. Also called: UGT1A1-related condition; UGT1A1-related disorders.

Allele frequency attached by ClinVar (database versions not stated): ExAC 0.00001.
gnomAD v4.1: 16 of 1,613,678 alleles (0.00099%); highest among the groups gnomAD compares: Admixed American, 0.0017%; no homozygotes.

Submission:

PreventionGenetics, part of Exact Sciences
Classification: Likely benign for UGT1A1-related condition. Last evaluated: 2020-04-29. Review status: no assertion criteria provided. Collection method: clinical testing. Allele origin: germline.
Comment: This variant is classified as likely benign based on ACMG/AMP sequence variant interpretation guidelines (Richards et al. 2015 PMID: 25741868, with internal and published modifications).

NM_000463.3(UGT1A1):c.21C>T (p.Gly7=)

Genes: UGT1A (UDP glucuronosyltransferase family 1 member A complex locus; plus strand), UGT1A1 (UDP glucuronosyltransferase family 1 member A1; plus strand), UGT1A10 (UDP glucuronosyltransferase family 1 member A10; plus strand), UGT1A3 (UDP glucuronosyltransferase family 1 member A3; plus strand), UGT1A4 (UDP glucuronosyltransferase family 1 member A4; plus strand) and 5 more. Cytogenetic location: 2q37.1.
Variant type: single nucleotide variant.
Coding change: c.21C>T on transcript NM_000463.3 (MANE Select); coding-DNA position 21, C replaced by T.
Protein change: p.Gly7=; no amino-acid change (glycine 7 retained).
Molecular consequence: synonymous variant. On other transcripts: intron variant (9).
Genome position (GRCh38, 1-based): chr2:233,760,308, C>T. VCF-style: chr2-233760308-C-T. GRCh37 (hg19) VCF-style: chr2-234668954-C-T.
Other names: c.856-6726C>T (NM_019076.5, NM_019075.4, NM_021027.3 and 1 more transcripts); c.61-6726C>T (NM_205862.3); c.862-6726C>T (NM_001072.4); c.868-6726C>T (NM_019078.2, NM_007120.3, NM_019093.4).
Identifiers: ClinVar variation 3054763 (VCV003054763.2), dbSNP rs780253764, ClinGen allele CA2179758.